The following is an entry in ClinVar:

ClinVar aggregate classification (germline): Pathogenic (1 of 4 stars; one submission).

Submissions (2):

Labcorp Genetics (formerly Invitae), Labcorp
Classification: Pathogenic. Last evaluated: 2024-12-22. Review status: criteria provided, single submitter. Criteria: Invitae Variant Classification Sherloc (09022015). Collection method: clinical testing. Allele origin: germline.
Comment: This sequence change affects an acceptor splice site in intron 5 of the TRAPPC2 gene. While this variant is not anticipated to result in nonsense mediated decay, it likely alters RNA splicing and results in a disrupted protein product. This variant is not present in population databases (gnomAD no frequency). Disruption of this splice site has been observed in individuals with clinical features of spondyloepiphyseal dysplasia tarda (PMID: 11349230, 30647738; internal data). It has also been observed to segregate with disease in related individuals. Variants that disrupt the consensus splice site are a relatively common cause of aberrant splicing (PMID: 17576681, 9536098). Algorithms developed to predict the effect of sequence changes on RNA splicing suggest that this variant may disrupt the consensus splice site. For these reasons, this variant has been classified as Pathogenic.

Dr. Peter K. Rogan Lab, Western University
No classification provided (evidence only). Condition: Nonpapillary renal cell carcinoma. Review status: no classification provided. Collection method: in vitro. Allele origin: not applicable. Functional consequence: retained intron. Not counted in ClinVar's aggregate classification.

Literature cited by the submitters: PubMed 11349230 (cited by Labcorp Genetics (formerly Invitae), Labcorp); PubMed 30647738 (cited by Labcorp Genetics (formerly Invitae), Labcorp); PubMed 17576681 (cited by Labcorp Genetics (formerly Invitae), Labcorp); PubMed 9536098 (cited by Labcorp Genetics (formerly Invitae), Labcorp).

NM_001011658.4(TRAPPC2):c.325-2A>G

Genes: OFD1 (OFD1 centriole and centriolar satellite protein; plus strand), TRAPPC2 (trafficking protein particle complex subunit 2; minus strand). Cytogenetic location: Xp22.2.
Variant type: single nucleotide variant.
Coding change: c.325-2A>G on transcript NM_001011658.4 (MANE Select); the canonical splice acceptor site of the intron before coding-DNA position 325, A replaced by G.
Molecular consequence: splice acceptor variant.
Genome position (GRCh38, 1-based): chrX:13,714,507, T>C on the plus strand (A>G on the coding strand, the complement: TRAPPC2 is on the minus strand). VCF-style: chrX-13714507-T-C. GRCh37 (hg19) VCF-style: chrX-13732626-T-C.
Other names: c.325-2A>G (NM_014563.6); c.427-2A>G (NM_001128835.3).
Identifiers: ClinVar variation 3727772 (VCV003727772.3).
Genomic context (GRCh38, chrX:13,714,507, plus strand): 5'-CTGTCAAATGCACTTGATCGAATAGGAGAATTGGGTTCATAAAATGGATTCATTGAAAAC[T>C]AGGAAAGAAGAAAGTATTAGTGAAGCAAAAAAGCTGACAAATCTTAAGTTTCTGAAAGGA-3'